The following is an entry in ClinVar:

ClinVar aggregate classification (germline): Uncertain significance (1 of 4 stars; one submission).

Submission:

Medical Genetic Center, Changzhi Maternal and Child Health Care Hospital
Classification: Uncertain significance. Last evaluated: 2025-12-10. Review status: criteria provided, single submitter. Criteria: ACMG/ClinGen CNV Guidelines, 2019. Collection method: clinical testing. Allele origin: unknown.
Comment: STRC deletion cariirer

GRCh38/hg38 15q15.3(chr15:43576373-43715339)x1

Genes: CATSPER2 (cation channel sperm associated 2; minus strand), CKMT1A (creatine kinase, mitochondrial 1A; plus strand), CKMT1B (creatine kinase, mitochondrial 1B; plus strand), PPIP5K1 (diphosphoinositol pentakisphosphate kinase 1; minus strand), STRC (stereocilin; minus strand) and 2 more. Cytogenetic location: 15q15.3.
Variant type: copy number loss.
Change: copy number 1 (one copy instead of two) of chr15:43,576,373-43,715,339 (139.0 kb, GRCh38 coordinates, 1-based), cytogenetic band 15q15.3.
Identifiers: ClinVar variation 4796134 (VCV004796134.1).